The following is an entry in ClinVar:

NM_001605.3(AARS1):c.686T>C (p.Ile229Thr)

Gene: AARS1 (alanyl-tRNA synthetase 1; minus strand). Cytogenetic location: 16q22.1.
Variant type: single nucleotide variant.
Coding change: c.686T>C on transcript NM_001605.3 (MANE Select); coding-DNA position 686, T replaced by C.
Protein change: p.Ile229Thr; replaces isoleucine 229 with threonine.
Molecular consequence: missense variant.
Genome position (GRCh38, 1-based): chr16:70,270,326, A>G on the plus strand (T>C on the coding strand, the complement: AARS1 is on the minus strand). VCF-style: chr16-70270326-A-G. GRCh37 (hg19) VCF-style: chr16-70304229-A-G.
Other names: short protein forms I229T.
Identifiers: ClinVar variation 864469 (VCV000864469.7), dbSNP rs530889354, ClinGen allele CA283440579.

ClinVar aggregate classification (germline): Uncertain significance (1 of 4 stars; one submission).

Conditions:
Charcot-Marie-Tooth disease type 2. Also called: Charcot-Marie-Tooth type 2. Identifiers: Orphanet 64746, MedGen C0270914, MONDO:0018993.

Allele frequency attached by ClinVar (database versions not stated): TOPMed 0.00001.
gnomAD v4.1: 2 of 1,614,186 alleles (0.00012%); no homozygotes.

Submission:

Labcorp Genetics (formerly Invitae), Labcorp
Classification: Uncertain significance for Charcot-Marie-Tooth disease type 2. Last evaluated: 2022-10-18. Review status: criteria provided, single submitter. Criteria: Invitae Variant Classification Sherloc (09022015). Collection method: clinical testing. Allele origin: germline.
Comment: Advanced modeling of protein sequence and biophysical properties (such as structural, functional, and spatial information, amino acid conservation, physicochemical variation, residue mobility, and thermodynamic stability) performed at Invitae indicates that this missense variant is not expected to disrupt AARS protein function. In summary, the available evidence is currently insufficient to determine the role of this variant in disease. Therefore, it has been classified as a Variant of Uncertain Significance. ClinVar contains an entry for this variant (Variation ID: 864469). This variant has not been reported in the literature in individuals affected with AARS-related conditions. This variant is not present in population databases (gnomAD no frequency). This sequence change replaces isoleucine, which is neutral and non-polar, with threonine, which is neutral and polar, at codon 229 of the AARS protein (p.Ile229Thr).